The following is an entry in ClinVar:

ClinVar aggregate classification (germline): Conflicting classifications of pathogenicity. Review status: criteria provided, conflicting classifications (1 of 4 stars). 5 submissions from 5 submitters: Uncertain significance (4); Likely benign (1). Last evaluated 2025-12-19.

Conditions:
Arrhythmogenic cardiomyopathy with wooly hair and keratoderma. Also called: Arrhythmogenic cardiomyopathy with woolly hair and keratoderma; Carvajal syndrome; Dilated cardiomyopathy with woolly hair and keratoderma; PALMOPLANTAR KERATODERMA WITH LEFT VENTRICULAR CARDIOMYOPATHY AND WOOLLY HAIR. Identifiers: Orphanet 65282, MedGen C1854063, MONDO:0011581, OMIM 605676.
Arrhythmogenic right ventricular dysplasia 8 (ARVD8). Also called: ARRHYTHMOGENIC RIGHT VENTRICULAR DYSPLASIA, FAMILIAL, 8; ARRHYTHMOGENIC RIGHT VENTRICULAR CARDIOMYOPATHY 8; Arrhythmogenic Right Ventricular Dysplasia/Cardiomyopathy 8. Identifiers: MedGen C1843896, MONDO:0011831, OMIM 607450.
Cardiovascular phenotype. Identifiers: MedGen CN230736.
Cardiomyopathy (CMYO). Also called: Cardiomyopathies. Identifiers: Orphanet 167848, MedGen C0878544, MONDO:0004994, HP:0001638. Inheritance: Various modes of inheritance.

Allele frequency attached by ClinVar (database versions not stated): gnomAD exomes 0.00001; ExAC 0.00002; TOPMed 0.00005; ESP Exome Variant Server 0.00008.
gnomAD v4.1: 25 of 1,613,970 alleles (0.0015%); highest among the groups gnomAD compares: Middle Eastern, 0.033%; no homozygotes.

Submissions (5):

Ambry Genetics
Classification: Uncertain significance for Cardiovascular phenotype. Last evaluated: 2025-12-19. Review status: criteria provided, single submitter. Criteria: Ambry Variant Classification Scheme 2023. Collection method: clinical testing. Allele origin: germline.
Comment: The p.R572Q variant (also known as c.1715G>A), located in coding exon 14 of the DSP gene, results from a G to A substitution at nucleotide position 1715. The arginine at codon 572 is replaced by glutamine, an amino acid with highly similar properties. This amino acid position is highly conserved in available vertebrate species. In addition, the in silico prediction for this alteration is inconclusive. Since supporting evidence is limited at this time, the clinical significance of this alteration remains unclear.

Labcorp Genetics (formerly Invitae), Labcorp
Classification: Likely benign for Arrhythmogenic cardiomyopathy with wooly hair and keratoderma; Arrhythmogenic right ventricular dysplasia 8. Last evaluated: 2025-11-05. Review status: criteria provided, single submitter. Criteria: Invitae Variant Classification Sherloc (09022015). Collection method: clinical testing. Allele origin: germline.

All of Us Research Program, National Institutes of Health
Classification: Uncertain significance for Arrhythmogenic cardiomyopathy with wooly hair and keratoderma. Last evaluated: 2024-09-23. Review status: criteria provided, single submitter. Criteria: ACMG Guidelines, 2015. Collection method: clinical testing. Allele origin: germline. Inheritance: Autosomal dominant inheritance. Observed: 6 variant alleles, 6 heterozygotes.
Comment: This missense variant replaces arginine with glutamine at codon 572 of the DSP protein. Computational prediction suggests that this variant may not impact protein structure and function (internally defined REVEL score threshold <= 0.5, PMID: 27666373). To our knowledge, functional studies have not been reported for this variant. This variant has not been reported in individuals affected with cardiovascular disorders in the literature. This variant has been identified in 3/251290 chromosomes in the general population by the Genome Aggregation Database (gnomAD). The available evidence is insufficient to determine the role of this variant in disease conclusively. Therefore, this variant is classified as a Variant of Uncertain Significance.

This study involves interpretation of variants in research participants for the purpose of population health screening. Participant phenotype was not available at the time of variant classification. Additional details can be found in publication PMID: 35346344, PMCID: PMC8962531

GeneDx
Classification: Uncertain significance. Last evaluated: 2024-07-03. Review status: criteria provided, single submitter. Criteria: GeneDx Variant Classification Process June 2021. Collection method: clinical testing. Allele origin: germline. Affected: yes.
Comment: Identified in a patient with unexplained cardiac arrest (UCA) in published literature (PMID: 35352813); Not observed at significant frequency in large population cohorts (gnomAD); In silico analysis indicates that this missense variant does not alter protein structure/function; This variant is associated with the following publications: (PMID: 35352813)

Color Diagnostics, LLC DBA Color Health
Classification: Uncertain significance for Cardiomyopathy. Last evaluated: 2024-04-09. Review status: criteria provided, single submitter. Criteria: ACMG Guidelines, 2015. Collection method: clinical testing. Allele origin: germline.
Comment: This missense variant replaces arginine with glutamine at codon 572 of the DSP protein. Computational prediction suggests that this variant may not impact protein structure and function (internally defined REVEL score threshold <= 0.5, PMID: 27666373). To our knowledge, functional studies have not been reported for this variant. This variant has not been reported in individuals affected with DSP-related disorders in the literature. This variant has been identified in 3/251290 chromosomes in the general population by the Genome Aggregation Database (gnomAD). The available evidence is insufficient to determine the role of this variant in disease conclusively. Therefore, this variant is classified as a Variant of Uncertain Significance.

NM_004415.4(DSP):c.1715G>A (p.Arg572Gln)

Gene: DSP (desmoplakin; plus strand). Cytogenetic location: 6p24.3.
Variant type: single nucleotide variant.
Coding change: c.1715G>A on transcript NM_004415.4 (MANE Select); coding-DNA position 1715, G replaced by A.
Protein change: p.Arg572Gln; replaces arginine 572 with glutamine.
Molecular consequence: missense variant.
Genome position (GRCh38, 1-based): chr6:7,571,396, G>A. VCF-style: chr6-7571396-G-A. GRCh37 (hg19) VCF-style: chr6-7571629-G-A.
Other names: c.1715G>A, p.Arg572Gln (NM_001008844.3, NM_001319034.2); c.1715G>A (LRG_423t1); short protein forms R572Q.
Identifiers: ClinVar variation 660122 (VCV000660122.17), dbSNP rs370531666, ClinGen allele CA029767.
Genomic context (GRCh38, chr6:7,571,396, plus strand): 5'-GTGGGGCAGTCATAAATCCCAAATCACTTCTGCCTGTCTCCTTTCAGCTGAAAACAATGC[G>A]GCAGGAAGATTACATGAAGACGATAGCCGACCTTGAGTTACATTACCAAGAGTTCATCAG-3'
Protein context (NP_004406.2, residues 562-582): AMTIAKLKTM[Arg572Gln]QEDYMKTIAD